The following is an entry in ClinVar:

NM_023036.6(DNAI2):c.933G>A (p.Lys311=)

Gene: DNAI2 (dynein axonemal intermediate chain 2; plus strand). Cytogenetic location: 17q25.1.
Variant type: single nucleotide variant.
Coding change: c.933G>A on transcript NM_023036.6 (MANE Select); coding-DNA position 933, G replaced by A.
Protein change: p.Lys311=; no amino-acid change (lysine 311 retained).
Molecular consequence: synonymous variant. On other transcripts: non-coding transcript variant (1).
Genome position (GRCh38, 1-based): chr17:74,301,114, G>A. VCF-style: chr17-74301114-G-A. GRCh37 (hg19) VCF-style: chr17-72297253-G-A.
Other names: p.Lys311=; c.933G>A, p.Lys311= (NM_001172810.3, NM_001353167.2).
Identifiers: ClinVar variation 261658 (VCV000261658.26), dbSNP rs570168701, ClinGen allele CA8745547.
Genomic context (GRCh38, chr17:74,301,114, plus strand): 5'-GTGGGACATCCGAAAGATGAGCGAGCCCACTGAAGTTGTGATCTTGGACATCACCAAGAA[G>A]GAACAGTTGGAAAATGCCTTGGGGGCCATCTCCCTGGAGTTCGAATCTACTTTGGTGAGT-3'
Protein context (NP_075462.3, residues 301-321): TEVVILDITK[Lys311=]EQLENALGAI

ClinVar aggregate classification (germline): Benign/Likely benign. Review status: criteria provided, multiple submitters, no conflicts (2 of 4 stars). 8 submissions from 8 submitters: Benign (4); Likely benign (2). 2 of the submissions do not count toward it. Last evaluated 2026-01-19.

Conditions:
Primary ciliary dyskinesia. Also called: Ciliary dyskinesia. Identifiers: Orphanet 244, MedGen C0008780, MONDO:0016575, HP:0012265.
Primary ciliary dyskinesia 9. Also called: CILIARY DYSKINESIA, PRIMARY, 9, WITH OR WITHOUT SITUS INVERSUS. Identifiers: Orphanet 244, MedGen C2676235, MONDO:0012906, OMIM 612444.

Allele frequency attached by ClinVar (database versions not stated): gnomAD 0.00004 and 0.00051; TOPMed 0.00008; gnomAD exomes 0.00082 and 0.00164; ExAC 0.00184; 1000 Genomes Project 30x 0.00297; 1000 Genomes Project 0.00319.
gnomAD v4.1: 1,276 of 1,614,106 alleles (0.079%); highest among the groups gnomAD compares: South Asian, 1.3%; 16 homozygotes.

Submissions (8):

Labcorp Genetics (formerly Invitae), Labcorp
Classification: Benign for Primary ciliary dyskinesia. Last evaluated: 2026-01-19. Review status: criteria provided, single submitter. Criteria: Invitae Variant Classification Sherloc (09022015). Collection method: clinical testing. Allele origin: germline.

Mayo Clinic Laboratories, Mayo Clinic
Classification: Benign. Last evaluated: 2025-10-17. Review status: criteria provided, single submitter. Criteria: ACMG Guidelines, 2015. Collection method: clinical testing. Allele origin: germline. Observed: 1 variant allele.
Comment: BS1, BS2, BP4, BP7

Illumina Laboratory Services, Illumina
Classification: Likely benign for Primary ciliary dyskinesia 9. Last evaluated: 2018-01-12. Review status: criteria provided, single submitter. Criteria: ICSL Variant Classification Criteria 13 December 2019. Collection method: clinical testing. Allele origin: germline.
Comment: This variant was observed in the ICSL laboratory as part of a predisposition screen in an ostensibly healthy population. It had not been previously curated by ICSL or reported in the Human Gene Mutation Database (HGMD: prior to June 1st, 2018), and was therefore a candidate for classification through an automated scoring system. Utilizing variant allele frequency, disease prevalence and penetrance estimates, and inheritance mode, an automated score was calculated to assess if this variant is too frequent to cause the disease. Based on the score and internal cut-off values, a variant classified as likely benign is not then subjected to further curation. The score for this variant resulted in a classification of likely benign for this disease.

Ambry Genetics
Classification: Benign for Primary ciliary dyskinesia. Last evaluated: 2017-05-05. Review status: criteria provided, single submitter. Criteria: Ambry Variant Classification Scheme 2023. Collection method: clinical testing. Allele origin: germline.

Eurofins Ntd Llc (ga)
Classification: Benign. Last evaluated: 2015-09-18. Review status: criteria provided, single submitter. Criteria: EGL Classification Definitions 2015. Collection method: clinical testing. Allele origin: germline. Observed: 1 variant allele, 1 heterozygote.

PreventionGenetics, part of Exact Sciences
Classification: Likely benign. Review status: criteria provided, single submitter. Criteria: ACMG Guidelines, 2015. Collection method: clinical testing. Allele origin: germline.

Natera, Inc.
Classification: Benign for Primary ciliary dyskinesia. Last evaluated: 2020-09-16. Review status: no assertion criteria provided. Collection method: clinical testing. Allele origin: germline. Not counted in ClinVar's aggregate classification.

Counsyl
Classification: Likely benign for Primary ciliary dyskinesia 9. Last evaluated: 2018-02-27. Review status: no assertion criteria provided. Collection method: clinical testing. Allele origin: unknown. Not counted in ClinVar's aggregate classification.